The following is an entry in ClinVar:

ClinVar aggregate classification (germline): Conflicting classifications of pathogenicity. Review status: criteria provided, conflicting classifications (1 of 4 stars). 3 submissions from 3 submitters: Likely pathogenic (2); Uncertain significance (1). Last evaluated 2024-05-03.

Conditions:
Hematuria, benign familial, 1 (BFH1). Also called: THIN MEMBRANE NEPHROPATHY. Identifiers: MedGen CN376803, MONDO:0007709, OMIM 141200.
Autosomal recessive Alport syndrome (ATS2). Also called: COL4A3-Related Nephropathy; ALPORT SYNDROME 2, AUTOSOMAL RECESSIVE; Alport syndrome type 2; COL4A4 Alport Syndrome and Thin Basement Membrane Nephropathy. Identifiers: Orphanet 63, Orphanet 88919, MedGen C4746745, MONDO:0008762, OMIM 203780.

Submissions (3):

Fulgent Genetics
Classification: Likely pathogenic for Hematuria, benign familial, 1; Autosomal recessive Alport syndrome. Last evaluated: 2024-05-03. Review status: criteria provided, single submitter. Criteria: ACMG Guidelines, 2015. Collection method: clinical testing. Allele origin: germline.

Women's Health and Genetics/Laboratory Corporation of America, LabCorp
Classification: Uncertain significance. Last evaluated: 2024-03-08. Review status: criteria provided, single submitter. Criteria: LabCorp Variant Classification Summary - May 2015. Collection method: clinical testing. Allele origin: germline.
Comment: Variant summary: COL4A4 c.737G>A (p.Gly246Asp) results in a non-conservative amino acid change in the encoded protein sequence. Five of five in-silico tools predict a damaging effect of the variant on protein function. The frequency data for this variant in gnomAD is considered unreliable, as metrics indicate poor data quality at this position. To our knowledge, no occurrence of c.737G>A in individuals affected with Alport Syndrome, Autosomal Recessive and no experimental evidence demonstrating its impact on protein function have been reported. ClinVar contains an entry for this variant (Variation ID: 585535). Based on the evidence outlined above, the variant was classified as uncertain significance.

Athena Diagnostics
Classification: Likely pathogenic. Last evaluated: 2018-05-09. Review status: criteria provided, single submitter. Criteria: Athena Diagnostics Criteria. Collection method: clinical testing. Allele origin: germline.

NM_000092.5(COL4A4):c.737G>A (p.Gly246Asp)

Gene: COL4A4 (collagen type IV alpha 4 chain; minus strand). Cytogenetic location: 2q36.3.
Variant type: single nucleotide variant.
Coding change: c.737G>A on transcript NM_000092.5 (MANE Select); coding-DNA position 737, G replaced by A.
Protein change: p.Gly246Asp; replaces glycine 246 with aspartic acid.
Molecular consequence: missense variant.
Genome position (GRCh38, 1-based): chr2:227,104,051, C>T on the plus strand (G>A on the coding strand, the complement: COL4A4 is on the minus strand). VCF-style: chr2-227104051-C-T. GRCh37 (hg19) VCF-style: chr2-227968767-C-T.
Other names: short protein forms G246D.
Identifiers: ClinVar variation 585535 (VCV000585535.4), dbSNP rs1559631986, ClinGen allele CA350858469.